The following is an entry in ClinVar:

ClinVar aggregate classification (germline): Uncertain significance. Review status: criteria provided, multiple submitters, no conflicts (2 of 4 stars). 2 submissions from 2 submitters: Uncertain significance (2). Last evaluated 2023-11-20.

Conditions:
Familial thoracic aortic aneurysm and aortic dissection (TAAD). Also called: Thoracic aortic aneurysms and dissections. Identifiers: Orphanet 91387, MedGen C4707243, MONDO:0019625.
Aortic aneurysm, familial thoracic 4 (AAT4). Also called: AORTIC ANEURYSM/AORTIC DISSECTION AND PATENT DUCTUS ARTERIOSUS. Identifiers: MedGen C1851504, MONDO:0007568, OMIM 132900.

Allele frequency attached by ClinVar (database versions not stated): gnomAD exomes below 0.00001.
gnomAD v4.1: 2 of 1,614,158 alleles (0.00012%); highest among the groups gnomAD compares: Admixed American, 0.0017%; no homozygotes.

Submissions (2):

All of Us Research Program, National Institutes of Health
Classification: Uncertain significance for Familial thoracic aortic aneurysm and aortic dissection. Last evaluated: 2023-11-20. Review status: criteria provided, single submitter. Criteria: ACMG Guidelines, 2015. Collection method: clinical testing. Allele origin: germline. Inheritance: Autosomal dominant inheritance. Observed: 1 variant allele, 1 heterozygote.
Comment: This variant causes an A to G nucleotide substitution at the +3 position of intron 22 of the MYH11 gene. To our knowledge, functional studies have not been reported for this variant. This variant has not been reported in individuals affected with MYH11-related disorders in the literature. This variant has been identified in 1/251472 chromosomes in the general population by the Genome Aggregation Database (gnomAD). The available evidence is insufficient to determine the role of this variant in disease conclusively. Therefore, this variant is classified as a Variant of Uncertain Significance.

This study involves interpretation of variants in research participants for the purpose of population health screening. Participant phenotype was not available at the time of variant classification. Additional details can be found in publication PMID: 35346344, PMCID: PMC8962531

Labcorp Genetics (formerly Invitae), Labcorp
Classification: Uncertain significance for Aortic aneurysm, familial thoracic 4. Last evaluated: 2023-07-28. Review status: criteria provided, single submitter. Criteria: Invitae Variant Classification Sherloc (09022015). Collection method: clinical testing. Allele origin: germline.
Comment: This sequence change falls in intron 22 of the MYH11 gene. It does not directly change the encoded amino acid sequence of the MYH11 protein. It affects a nucleotide within the consensus splice site. In summary, the available evidence is currently insufficient to determine the role of this variant in disease. Therefore, it has been classified as a Variant of Uncertain Significance. Variants that disrupt the consensus splice site are a relatively common cause of aberrant splicing (PMID: 17576681, 9536098). Algorithms developed to predict the effect of sequence changes on RNA splicing suggest that this variant is not likely to affect RNA splicing. ClinVar contains an entry for this variant (Variation ID: 852146). This variant has been observed in individual(s) with thoracic aortic aneurysm and dissection (Invitae). This variant is present in population databases (no rsID available, gnomAD 0.003%).

Literature cited by the submitters: PubMed 17576681 (cited by Labcorp Genetics (formerly Invitae), Labcorp); PubMed 9536098 (cited by Labcorp Genetics (formerly Invitae), Labcorp).

NM_002474.3(MYH11):c.2652+3A>G

Gene: MYH11 (myosin heavy chain 11; minus strand). Cytogenetic location: 16p13.11.
Variant type: single nucleotide variant.
Coding change: c.2652+3A>G on transcript NM_002474.3 (MANE Select); 3 bases into the intron after coding-DNA position 2652, A replaced by G.
Molecular consequence: intron variant.
Genome position (GRCh38, 1-based): chr16:15,741,757, T>C on the plus strand (A>G on the coding strand, the complement: MYH11 is on the minus strand). VCF-style: chr16-15741757-T-C. GRCh37 (hg19) VCF-style: chr16-15835614-T-C.
Other names: c.2652+3A>G (NM_022844.3); c.2673+3A>G (NM_001040114.2, NM_001040113.2).
Identifiers: ClinVar variation 852146 (VCV000852146.10), dbSNP rs1480678047, ClinGen allele CA493790820.